The following is an entry in ClinVar:

NM_001349338.3(FOXP1):c.1147-3C>T

Gene: FOXP1 (forkhead box P1; minus strand). Cytogenetic location: 3p13.
Variant type: single nucleotide variant.
Coding change: c.1147-3C>T on transcript NM_001349338.3 (MANE Select); 3 bases into the intron before coding-DNA position 1147, C replaced by T.
Molecular consequence: intron variant.
Genome position (GRCh38, 1-based): chr3:70,978,032, G>A on the plus strand (C>T on the coding strand, the complement: FOXP1 is on the minus strand). VCF-style: chr3-70978032-G-A. GRCh37 (hg19) VCF-style: chr3-71027183-G-A.
Other names: c.1147-3C>T (NM_001244810.2, NM_032682.6, NM_001349340.3 and 3 more transcripts); c.1144-3C>T (NM_001349341.3); c.919-3C>T (NM_001244812.3); c.844-3C>T (NM_001349343.3, NM_001349337.2, NM_001349344.3); c.847-3C>T (NM_001349342.3, NM_001370548.1, NM_001244815.2 and 1 more transcripts).
Identifiers: ClinVar variation 2862950 (VCV002862950.3), dbSNP rs964354406, ClinGen allele CA76530436.
Genomic context (GRCh38, chr3:70,978,032, plus strand): 5'-TCTGTGGAGAAGCCTCCGATGCGGACTTGGAGAGAGTGACACTTGATACCAGATTCAACT[G>A]CAAGGAAAAAAACAACGTCTTAGAAGACCTTCAGAAAACCAGAGCAACCCAGGAACCACA-3'

ClinVar aggregate classification (germline): Uncertain significance (1 of 4 stars; one submission).

Allele frequency attached by ClinVar (database versions not stated): gnomAD exomes below 0.00001.
gnomAD v4.1: 1 of 1,613,594 alleles (0.000062%); highest among the groups gnomAD compares: African/African-American, 0.0013%; no homozygotes.

Submission:

Labcorp Genetics (formerly Invitae), Labcorp
Classification: Uncertain significance. Last evaluated: 2023-07-13. Review status: criteria provided, single submitter. Criteria: Invitae Variant Classification Sherloc (09022015). Collection method: clinical testing. Allele origin: germline.
Comment: In summary, the available evidence is currently insufficient to determine the role of this variant in disease. Therefore, it has been classified as a Variant of Uncertain Significance. This sequence change falls in intron 14 of the FOXP1 gene. It does not directly change the encoded amino acid sequence of the FOXP1 protein. It affects a nucleotide within the consensus splice site. This variant is not present in population databases (gnomAD no frequency). This variant has not been reported in the literature in individuals affected with FOXP1-related conditions. Variants that disrupt the consensus splice site are a relatively common cause of aberrant splicing (PMID: 17576681, 9536098). Algorithms developed to predict the effect of sequence changes on RNA splicing suggest that this variant is not likely to affect RNA splicing.

Literature cited by the submitters: PubMed 17576681; PubMed 9536098.